The following is an entry in ClinVar:

NM_000548.5(TSC2):c.1304A>T (p.His435Leu)

Gene: TSC2 (TSC complex subunit 2; plus strand). Cytogenetic location: 16p13.3.
Variant type: single nucleotide variant.
Coding change: c.1304A>T on transcript NM_000548.5 (MANE Select); coding-DNA position 1304, A replaced by T.
Protein change: p.His435Leu; replaces histidine 435 with leucine.
Molecular consequence: missense variant.
Genome position (GRCh38, 1-based): chr16:2,062,543, A>T. VCF-style: chr16-2062543-A-T. GRCh37 (hg19) VCF-style: chr16-2112544-A-T.
Other names: c.1304A>T, p.His435Leu (NM_001077183.3, NM_001114382.3, NM_001363528.2 and 3 more transcripts); c.1193A>T, p.His398Leu (NM_001318827.2); c.1157A>T, p.His386Leu (NM_001318829.2); c.704A>T, p.His235Leu (NM_001318831.2); c.1337A>T, p.His446Leu (NM_001318832.2); short protein forms H435L, H398L, H235L, H386L, H446L.
Identifiers: ClinVar variation 535964 (VCV000535964.14), dbSNP rs1555501389, ClinGen allele CA394322184.
Genomic context (GRCh38, chr16:2,062,543, plus strand): 5'-TCTTCTTTTGACAGGAGTCCTCCCTCCTGAACCTGATCTCCTATAGAGCGCAGTCCATCC[A>T]CCCGGCCAAGGACGGCTGGATTCAGAACCTGCAGGCGCTGATGGAGAGATTCTTCAGGTA-3'
Protein context (NP_000539.2, residues 425-445): NLISYRAQSI[His435Leu]PAKDGWIQNL

ClinVar aggregate classification (germline): Conflicting classifications of pathogenicity. Review status: criteria provided, conflicting classifications (1 of 4 stars). 2 submissions from 2 submitters: Uncertain significance (1); Benign (1). Last evaluated 2025-12-24.

Conditions:
Tuberous sclerosis 2 (TSC2). Identifiers: Orphanet 805, MedGen C1860707, MONDO:0013199, OMIM 613254.
Hereditary cancer-predisposing syndrome. Also called: Neoplastic Syndromes, Hereditary; Tumor predisposition; Hereditary Cancer Syndrome; Hereditary neoplastic syndrome. Identifiers: Orphanet 140162, MedGen C0027672, MeSH D009386, MONDO:0015356.

gnomAD v4.1: 2 of 1,612,502 alleles (0.00012%); highest among the groups gnomAD compares: Non-Finnish European, 0.00017%; no homozygotes.

Submissions (2):

Labcorp Genetics (formerly Invitae), Labcorp
Classification: Benign for Tuberous sclerosis 2. Last evaluated: 2025-12-24. Review status: criteria provided, single submitter. Criteria: Invitae Variant Classification Sherloc (09022015). Collection method: clinical testing. Allele origin: germline.

Ambry Genetics
Classification: Uncertain significance for Hereditary cancer-predisposing syndrome. Last evaluated: 2025-06-02. Review status: criteria provided, single submitter. Criteria: Ambry Variant Classification Scheme 2023. Collection method: clinical testing. Allele origin: germline.
Comment: The p.H435L variant (also known as c.1304A>T), located in coding exon 12 of the TSC2 gene, results from an A to T substitution at nucleotide position 1304. The histidine at codon 435 is replaced by leucine, an amino acid with similar properties. This amino acid position is conserved. In addition, this alteration is predicted to be deleterious by in silico analysis. Since supporting evidence is limited at this time, the clinical significance of this alteration remains unclear.